The following is an entry in ClinVar:

ClinVar aggregate classification (germline): Uncertain significance (1 of 4 stars; one submission).

Submission:

Mayo Clinic Laboratories, Mayo Clinic
Classification: Uncertain significance. Last evaluated: 2024-12-25. Review status: criteria provided, single submitter. Criteria: ACMG Guidelines, 2015. Collection method: clinical testing. Allele origin: germline. Observed: 1 variant allele.
Comment: BP5, PM2_supporting

NM_152296.5(ATP1A3):c.5_6+1del

Genes: ATP1A3 (ATPase Na+/K+ transporting subunit alpha 3; minus strand), LOC130064543 (ATAC-STARR-seq lymphoblastoid silent region 10681; plus strand). Cytogenetic location: 19q13.2.
Variant type: Deletion.
Coding change: c.5_6+1del on transcript NM_152296.5 (MANE Select); coding-DNA position 5 through the canonical splice donor site of the intron after coding-DNA position 6, 3 bases deleted (GGG; older notation c.5_6+1delGGG).
Molecular consequence: splice donor variant, initiator codon variant.
Genome position (GRCh38, 1-based): chr19:41,994,070-41,994,072, CCC deleted on the plus strand (GGG on the coding strand, the reverse complement: ATP1A3 is on the minus strand); deleting any 3 consecutive bases within chr19:41,994,070-41,994,074 gives the same sequence; the c. name uses the placement nearest the transcript's 3' end. VCF-style (leftmost placement, unchanged base first): chr19-41994069-ACCC-A. GRCh37 (hg19) VCF-style: chr19-42498221-ACCC-A.
Other names: p.Asp3Glnfs*4; c.5_6+1del (NM_001256214.2).
Identifiers: ClinVar variation 4542347 (VCV004542347.1).
Genomic context (GRCh38, chr19:41,994,069, plus strand): 5'-ACCCAATGTCACCGGCCCCACAATGTCACACGGAAGCGGCGCCCAGCCGGCTCAGCACCT[ACCC>A]CCATCTTGGCGGCTCCGCGGCGAGAGAGCCAGGCGGGCGGGGCGGGGACCTCGGGGCGGG-3'